The following is an entry in ClinVar:

NM_002661.5(PLCG2):c.579C>A (p.His193Gln)

Gene: PLCG2 (phospholipase C gamma 2; plus strand). Cytogenetic location: 16q23.3.
Variant type: single nucleotide variant.
Coding change: c.579C>A on transcript NM_002661.5 (MANE Select); coding-DNA position 579, C replaced by A.
Protein change: p.His193Gln; replaces histidine 193 with glutamine.
Molecular consequence: missense variant.
Genome position (GRCh38, 1-based): chr16:81,870,866, C>A. VCF-style: chr16-81870866-C-A. GRCh37 (hg19) VCF-style: chr16-81904471-C-A.
Other names: short protein forms H193Q.
Identifiers: ClinVar variation 848453 (VCV000848453.10), dbSNP rs201080992, ClinGen allele CA285188874.
Genomic context (GRCh38, chr16:81,870,866, plus strand): 5'-ACGGTGGACATCAAAAATCATGTGGTCACTTTTTTCATATTTACAGGAAATAGGAGCACA[C>A]AAAGATGAGCTCAGCTTTGAACAGTTCCATCTCTTCTATAAAAAACTTATGTTTGAACAG-3'
Protein context (NP_002652.2, residues 183-203): LKDKFVEIGA[His193Gln]KDELSFEQFH

ClinVar aggregate classification (germline): Uncertain significance (1 of 4 stars; one submission).

Conditions:
Familial cold autoinflammatory syndrome 3 (FCAS3). Also called: ANTIBODY DEFICIENCY AND IMMUNE DYSREGULATION, PLCG2-ASSOCIATED; FAMILIAL ATYPICAL COLD URTICARIA. Identifiers: Orphanet 300359, MedGen C3280914, MONDO:0013766, OMIM 614468.

Allele frequency attached by ClinVar (database versions not stated): ESP Exome Variant Server 0.00008.
gnomAD v4.1: 1 of 1,594,434 alleles (0.000063%); highest among the groups gnomAD compares: Non-Finnish European, 0.000086%; no homozygotes.

Submission:

Labcorp Genetics (formerly Invitae), Labcorp
Classification: Uncertain significance for Familial cold autoinflammatory syndrome 3. Last evaluated: 2019-12-16. Review status: criteria provided, single submitter. Criteria: Invitae Variant Classification Sherloc (09022015). Collection method: clinical testing. Allele origin: germline.
Comment: In summary, the available evidence is currently insufficient to determine the role of this variant in disease. Therefore, it has been classified as a Variant of Uncertain Significance. Algorithms developed to predict the effect of missense changes on protein structure and function output the following: SIFT: "Tolerated"; PolyPhen-2: "Benign"; Align-GVGD: "Class C0". The glutamine amino acid residue is found in multiple mammalian species, suggesting that this missense change does not adversely affect protein function. These predictions have not been confirmed by published functional studies and their clinical significance is uncertain. This variant has not been reported in the literature in individuals with PLCG2-related conditions. This variant is not present in population databases (ExAC no frequency). This sequence change replaces histidine with glutamine at codon 193 of the PLCG2 protein (p.His193Gln). The histidine residue is weakly conserved and there is a small physicochemical difference between histidine and glutamine.